The following is an entry in ClinVar:

NM_001042492.3(NF1):c.4192C>A (p.Pro1398Thr)

Gene: NF1 (neurofibromin 1; plus strand). Cytogenetic location: 17q11.2.
Variant type: single nucleotide variant.
Coding change: c.4192C>A on transcript NM_001042492.3 (MANE Select); coding-DNA position 4192, C replaced by A.
Protein change: p.Pro1398Thr; replaces proline 1398 with threonine.
Molecular consequence: missense variant.
Genome position (GRCh38, 1-based): chr17:31,258,362, C>A. VCF-style: chr17-31258362-C-A. GRCh37 (hg19) VCF-style: chr17-29585380-C-A.
Other names: c.4129C>A, p.Pro1377Thr (NM_000267.4); short protein forms P1377T, P1398T.
Identifiers: ClinVar variation 3879051 (VCV003879051.1).

ClinVar aggregate classification (germline): Uncertain significance (1 of 4 stars; one submission).

Conditions:
Cardiovascular phenotype. Identifiers: MedGen CN230736.
Hereditary cancer-predisposing syndrome. Also called: Tumor predisposition; Neoplastic Syndromes, Hereditary; Hereditary Cancer Syndrome; Hereditary neoplastic syndrome. Identifiers: Orphanet 140162, MedGen C0027672, MeSH D009386, MONDO:0015356.

Submission:

Ambry Genetics
Classification: Uncertain significance for Cardiovascular phenotype; Hereditary cancer-predisposing syndrome. Last evaluated: 2025-01-08. Review status: criteria provided, single submitter. Criteria: Ambry Variant Classification Scheme 2023. Collection method: clinical testing. Allele origin: germline.
Comment: The p.P1377T variant (also known as c.4129C>A), located in coding exon 31 of the NF1 gene, results from a C to A substitution at nucleotide position 4129. The proline at codon 1377 is replaced by threonine, an amino acid with highly similar properties. This amino acid position is conserved. In addition, this alteration is predicted to be deleterious by in silico analysis. Based on the available evidence, the clinical significance of this variant remains unclear.